The following is an entry in ClinVar:

ClinVar aggregate classification (germline): Likely benign. Review status: criteria provided, multiple submitters, no conflicts (2 of 4 stars). 2 submissions from 2 submitters: Likely benign (2). Last evaluated 2023-10-19.

Conditions:
Hypertrophic cardiomyopathy. Also called: HYPERTROPHIC MYOCARDIOPATHY. Identifiers: Orphanet 217569, MedGen C0007194, MeSH D002312, MONDO:0005045, HP:0001639.

Allele frequency attached by ClinVar (database versions not stated): gnomAD exomes below 0.00001.
gnomAD v4.1: 1 of 1,606,082 alleles (0.000062%); no homozygotes.

Submissions (2):

Labcorp Genetics (formerly Invitae), Labcorp
Classification: Likely benign for Hypertrophic cardiomyopathy. Last evaluated: 2023-10-19. Review status: criteria provided, single submitter. Criteria: Invitae Variant Classification Sherloc (09022015). Collection method: clinical testing. Allele origin: germline.

GeneDx
Classification: Likely benign. Last evaluated: 2015-11-05. Review status: criteria provided, single submitter. Criteria: GeneDx Variant Classification (06012015). Collection method: clinical testing. Allele origin: germline. Affected: yes.
Comment: This variant is considered likely benign or benign based on one or more of the following criteria: it is a conservative change, it occurs at a poorly conserved position in the protein, it is predicted to be benign by multiple in silico algorithms, and/or has population frequency not consistent with disease.

NC_000011.10:g.47339809A>T

Gene: MYBPC3 (myosin binding protein C3; minus strand). Cytogenetic location: 11p11.2.
Variant type: single nucleotide variant.
Genome position: GRCh38 VCF-style: chr11-47339809-A-T. GRCh37 (hg19) VCF-style: chr11-47361360-A-T.
Other names: c.1928-19T>A (LRG_386t1, NM_000256.3).
Identifiers: ClinVar variation 381341 (VCV000381341.4), dbSNP rs1057521020, ClinGen allele CA16606323.
Genomic context (GRCh38, chr11:47,339,809, plus strand): 5'-CTGGTATGCGGCCTGGGCAGTCCAGGTGGATCTTGGGAGGTTCTGCAGAAGACACAATGT[A>T]GTTCAGAGAAACGGGAGAGCCAGGAGGAGCACAGGTCACTGGGGCGGGGCTGCTCAAGAG-3'